The following is an entry in ClinVar:

ClinVar aggregate classification (germline): Uncertain significance (1 of 4 stars; one submission).

Submission:

GeneDx
Classification: Uncertain significance. Last evaluated: 2024-05-09. Review status: criteria provided, single submitter. Criteria: GeneDx Variant Classification Process June 2021. Collection method: clinical testing. Allele origin: germline. Affected: yes.
Comment: Not observed at significant frequency in large population cohorts (gnomAD); In silico analysis supports that this missense variant has a deleterious effect on protein structure/function; Has not been previously published as pathogenic or benign to our knowledge

NM_021956.5(GRIK2):c.1411T>C (p.Ser471Pro)

Gene: GRIK2 (glutamate ionotropic receptor kainate type subunit 2; plus strand). Cytogenetic location: 6q16.3.
Variant type: single nucleotide variant.
Coding change: c.1411T>C on transcript NM_021956.5 (MANE Select); coding-DNA position 1411, T replaced by C.
Protein change: p.Ser471Pro; replaces serine 471 with proline.
Molecular consequence: missense variant.
Genome position (GRCh38, 1-based): chr6:101,859,380, T>C. VCF-style: chr6-101859380-T-C. GRCh37 (hg19) VCF-style: chr6-102307255-T-C.
Other names: c.1411T>C, p.Ser471Pro (NM_001166247.1, NM_175768.3); short protein forms S471P.
Identifiers: ClinVar variation 3378154 (VCV003378154.1).